The following is an entry in ClinVar:

NM_001999.4(FBN2):c.5711G>A (p.Ser1904Asn)

Gene: FBN2 (fibrillin 2; minus strand). Cytogenetic location: 5q23.3.
Variant type: single nucleotide variant.
Coding change: c.5711G>A on transcript NM_001999.4 (MANE Select); coding-DNA position 5711, G replaced by A.
Protein change: p.Ser1904Asn; replaces serine 1904 with asparagine.
Molecular consequence: missense variant.
Genome position (GRCh38, 1-based): chr5:128,305,046, C>T on the plus strand (G>A on the coding strand, the complement: FBN2 is on the minus strand). VCF-style: chr5-128305046-C-T. GRCh37 (hg19) VCF-style: chr5-127640738-C-T.
Other names: short protein forms S1904N.
Identifiers: ClinVar variation 4691498 (VCV004691498.1).

ClinVar aggregate classification (germline): Uncertain significance (1 of 4 stars; one submission).

Conditions:
Congenital contractural arachnodactyly (CCA). Also called: Beals-Hecht syndrome; BEALS SYNDROME; Arthrogryposis, distal, type 9. Identifiers: Orphanet 115, MedGen C0220668, MONDO:0007363, OMIM 121050.

Submission:

Labcorp Genetics (formerly Invitae), Labcorp
Classification: Uncertain significance for Congenital contractural arachnodactyly. Last evaluated: 2025-07-14. Review status: criteria provided, single submitter. Criteria: Invitae Variant Classification Sherloc (09022015). Collection method: clinical testing. Allele origin: germline.
Comment: This sequence change replaces serine, which is neutral and polar, with asparagine, which is neutral and polar, at codon 1904 of the FBN2 protein (p.Ser1904Asn). This variant is not present in population databases (gnomAD no frequency). This variant has not been reported in the literature in individuals affected with FBN2-related conditions. Invitae Evidence Modeling of protein sequence and biophysical properties (such as structural, functional, and spatial information, amino acid conservation, physicochemical variation, residue mobility, and thermodynamic stability) indicates that this missense variant is not expected to disrupt FBN2 protein function with a negative predictive value of 80%. In summary, the available evidence is currently insufficient to determine the role of this variant in disease. Therefore, it has been classified as a Variant of Uncertain Significance.